The following is an entry in ClinVar:

ClinVar aggregate classification (germline): Benign. Review status: criteria provided, multiple submitters, no conflicts (2 of 4 stars). 2 submissions from 2 submitters: Benign (2). Last evaluated 2018-06-16.

Allele frequency attached by ClinVar (database versions not stated): gnomAD 0.07155 and 0.07678; TOPMed 0.07899; 1000 Genomes Project 0.08347; 1000 Genomes Project 30x 0.08854.
gnomAD v4.1: 10,793 of 151,874 alleles (7.1%); highest among the groups gnomAD compares: African/African-American, 25%; 1,283 homozygotes.

Submissions (2):

GeneDx
Classification: Benign. Last evaluated: 2018-06-16. Review status: criteria provided, single submitter. Criteria: GeneDx Variant Classification (06012015). Collection method: clinical testing. Allele origin: germline. Affected: yes.
Comment: This variant is considered likely benign or benign based on one or more of the following criteria: it is a conservative change, it occurs at a poorly conserved position in the protein, it is predicted to be benign by multiple in silico algorithms, and/or has population frequency not consistent with disease.

Breakthrough Genomics
Classification: Benign. Review status: criteria provided, single submitter. Criteria: ACMG Guidelines, 2015. Collection method: not provided. Allele origin: germline. Inheritance: Autosomal recessive inheritance. Affected: yes.

NM_001605.3(AARS1):c.671+180G>C

Gene: AARS1 (alanyl-tRNA synthetase 1; minus strand). Cytogenetic location: 16q22.1.
Variant type: single nucleotide variant.
Coding change: c.671+180G>C on transcript NM_001605.3 (MANE Select); 180 bases into the intron after coding-DNA position 671, G replaced by C.
Molecular consequence: intron variant.
Genome position (GRCh38, 1-based): chr16:70,271,601, C>G on the plus strand (G>C on the coding strand, the complement: AARS1 is on the minus strand). VCF-style: chr16-70271601-C-G. GRCh37 (hg19) VCF-style: chr16-70305504-C-G.
Identifiers: ClinVar variation 677695 (VCV000677695.2), dbSNP rs16970361, ClinGen allele CA14316553.